The following is an entry in ClinVar:

NM_015559.3(SETBP1):c.-164C>G

Gene: SETBP1 (SET binding protein 1; plus strand). Cytogenetic location: 18q12.3.
Variant type: single nucleotide variant.
Coding change: c.-164C>G on transcript NM_015559.3 (MANE Select); 164 bases upstream of the start codon, C replaced by G.
Molecular consequence: 5 prime UTR variant.
Genome position (GRCh38, 1-based): chr18:44,701,183, C>G. VCF-style: chr18-44701183-C-G. GRCh37 (hg19) VCF-style: chr18-42281148-C-G.
Other names: c.-164C>G (LRG_1150t1, NM_001130110.2).
Identifiers: ClinVar variation 2578809 (VCV002578809.25), dbSNP rs145284354, ClinGen allele CA10647568.

ClinVar aggregate classification (germline): Likely benign (1 of 4 stars; one submission).

Allele frequency attached by ClinVar (database versions not stated): 1000 Genomes Project 30x 0.00016; 1000 Genomes Project 0.00020; gnomAD 0.00083 and 0.00136; TOPMed 0.00143 and 0.00161; gnomAD exomes 0.00154.
gnomAD v4.1: 993 of 630,186 alleles (0.16%); highest among the groups gnomAD compares: Middle Eastern, 1.2%; 3 homozygotes.

Submission:

CeGaT Center for Human Genetics Tuebingen
Classification: Likely benign. Last evaluated: 2026-06-01. Review status: criteria provided, single submitter. Criteria: CeGaT Center For Human Genetics Tuebingen Variant Classification Criteria Version 2. Collection method: clinical testing. Allele origin: germline. Affected: yes. Observed: 10 variant alleles.
Comment: SETBP1: BS1